The following is an entry in ClinVar:

ClinVar aggregate classification (germline): Uncertain significance. Review status: criteria provided, multiple submitters, no conflicts (2 of 4 stars). 2 submissions from 2 submitters: Uncertain significance (2). Last evaluated 2025-03-22.

Submissions (2):

GeneDx
Classification: Uncertain significance. Last evaluated: 2025-03-22. Review status: criteria provided, single submitter. Criteria: GeneDx Variant Classification Process June 2021. Collection method: clinical testing. Allele origin: germline. Affected: yes.
Comment: Not observed at significant frequency in large population cohorts (gnomAD); In silico analysis supports that this missense variant has a deleterious effect on protein structure/function; Has not been previously published as pathogenic or benign to our knowledge

Labcorp Genetics (formerly Invitae), Labcorp
Classification: Uncertain significance. Last evaluated: 2024-02-12. Review status: criteria provided, single submitter. Criteria: Invitae Variant Classification Sherloc (09022015). Collection method: clinical testing. Allele origin: germline.
Comment: This sequence change replaces leucine, which is neutral and non-polar, with phenylalanine, which is neutral and non-polar, at codon 168 of the RUNX2 protein (p.Leu168Phe). This variant is not present in population databases (gnomAD no frequency). This variant has not been reported in the literature in individuals affected with RUNX2-related conditions. ClinVar contains an entry for this variant (Variation ID: 2000014). Advanced modeling of protein sequence and biophysical properties (such as structural, functional, and spatial information, amino acid conservation, physicochemical variation, residue mobility, and thermodynamic stability) performed at Invitae indicates that this missense variant is expected to disrupt RUNX2 protein function with a positive predictive value of 80%. In summary, the available evidence is currently insufficient to determine the role of this variant in disease. Therefore, it has been classified as a Variant of Uncertain Significance.

NM_001024630.4(RUNX2):c.502C>T (p.Leu168Phe)

Gene: RUNX2 (RUNX family transcription factor 2; plus strand). Cytogenetic location: 6p21.1.
Variant type: single nucleotide variant.
Coding change: c.502C>T on transcript NM_001024630.4 (MANE Select); coding-DNA position 502, C replaced by T.
Protein change: p.Leu168Phe; replaces leucine 168 with phenylalanine.
Molecular consequence: missense variant.
Genome position (GRCh38, 1-based): chr6:45,431,941, C>T. VCF-style: chr6-45431941-C-T. GRCh37 (hg19) VCF-style: chr6-45399678-C-T.
Other names: c.502C>T, p.Leu168Phe (NM_001015051.4); c.460C>T, p.Leu154Phe (NM_001278478.2, NM_001369405.1, NM_004348.3); c.502C>T (NM_001024630.3); short protein forms L154F, L168F.
Identifiers: ClinVar variation 2000014 (VCV002000014.5), dbSNP rs2548589178, ClinGen allele CA363960123.